The following is an entry in ClinVar:

ClinVar aggregate classification (germline): Benign. Review status: reviewed by expert panel (3 of 4 stars). 13 submissions from 13 submitters: Benign (1). 12 of the submissions do not count toward it. Last evaluated 2015-01-12.

Conditions:
Hereditary cancer-predisposing syndrome. Also called: Tumor predisposition; Hereditary Cancer Syndrome; Neoplastic Syndromes, Hereditary; Hereditary neoplastic syndrome. Identifiers: Orphanet 140162, MedGen C0027672, MeSH D009386, MONDO:0015356.
Hereditary breast ovarian cancer syndrome. Also called: Hereditary breast and ovarian cancer; Hereditary breast and/or ovarian cancer syndrome; BRCA1- and BRCA2-Associated Hereditary Breast and Ovarian Cancer; Hereditary breast and ovarian cancer syndrome; Hereditary breast and ovarian cancer syndrome (HBOC); Breast and ovarian cancer. Identifiers: Orphanet 145, MedGen C0677776, MeSH D061325, MONDO:0003582. Disease mechanism: loss of function.
Breast-ovarian cancer, familial, susceptibility to, 2 (BROVCA2). Also called: BRCA2 Hereditary Breast and Ovarian Cancer. Identifiers: Orphanet 145, MedGen C2675520, MONDO:0012933, OMIM 612555. Disease mechanism: loss of function.

Allele frequency attached by ClinVar (database versions not stated): gnomAD 0.03657 and 0.04061; gnomAD exomes 0.04157; TOPMed 0.04187; 1000 Genomes Project 0.07248; 1000 Genomes Project 30x 0.07277.
gnomAD v4.1: 66,080 of 1,587,692 alleles (4.2%); highest among the groups gnomAD compares: East Asian, 12%; 2,142 homozygotes.

Submissions (13):

Evidence-based Network for the Interpretation of Germline Mutant Alleles (ENIGMA)
Classification: Benign for Breast-ovarian cancer, familial 2. Last evaluated: 2015-01-12. Review status: reviewed by expert panel. Criteria: ENIGMA BRCA1/2 Classification Criteria (2015). Collection method: curation. Allele origin: germline.
Comment: Class 1 not pathogenic based on frequency >1% in an outbred sampleset. Frequency 0.1031 (Asian), 0.01423 (African), 0.03694 (European), derived from 1000 genomes (2012-04-30).

National Health Laboratory Service, Universitas Academic Hospital and University of the Free State
Classification: Benign for Hereditary breast ovarian cancer syndrome. Last evaluated: 2022-04-19. Review status: criteria provided, single submitter. Criteria: ACMG Guidelines, 2015. Collection method: clinical testing. Allele origin: germline. Affected: yes. Observed: 81 variant alleles. Not counted in ClinVar's aggregate classification.

Institute for Clinical Genetics, University Hospital TU Dresden, University Hospital TU Dresden
Classification: Benign. Last evaluated: 2021-11-03. Review status: criteria provided, single submitter. Criteria: ACMG Guidelines, 2015. Collection method: clinical testing. Allele origin: germline. Not counted in ClinVar's aggregate classification.

GeneKor MSA
Classification: Benign. Last evaluated: 2017-11-01. Review status: criteria provided, single submitter. Criteria: ACMG Guidelines, 2015. Collection method: clinical testing. Allele origin: germline. Affected: yes. Not counted in ClinVar's aggregate classification.

Color Diagnostics, LLC DBA Color Health
Classification: Benign for Hereditary cancer-predisposing syndrome. Last evaluated: 2014-12-09. Review status: criteria provided, single submitter. Criteria: ACMG Guidelines, 2015. Collection method: clinical testing. Allele origin: germline. Not counted in ClinVar's aggregate classification.

Ambry Genetics
Classification: Benign for Hereditary cancer-predisposing syndrome. Last evaluated: 2014-11-19. Review status: criteria provided, single submitter. Criteria: Ambry Variant Classification Scheme 2023. Collection method: clinical testing. Allele origin: germline. Not counted in ClinVar's aggregate classification.

Genome Diagnostics Laboratory, University Medical Center Utrecht
Classification: Benign for Breast-ovarian cancer, familial, susceptibility to, 2. Last evaluated: 2014-10-09. Review status: criteria provided, single submitter. Criteria: ACGS Guidelines, 2013. Collection method: clinical testing. Allele origin: germline. Affected: yes. Study: VKGL Data-share Consensus. Not counted in ClinVar's aggregate classification.

Breakthrough Genomics
Classification: Benign. Review status: criteria provided, single submitter. Criteria: ACMG Guidelines, 2015. Collection method: not provided. Allele origin: germline. Inheritance: Autosomal recessive inheritance. Affected: yes. Not counted in ClinVar's aggregate classification.

Department of Pathology and Laboratory Medicine, Sinai Health System
Classification: Benign. Review status: criteria provided, single submitter. Criteria: ACMG Guidelines, 2015. Collection method: clinical testing. Allele origin: germline. Affected: yes. Study: The Canadian Open Genetics Repository (COGR). Not counted in ClinVar's aggregate classification.

GreenArray Genomic Research & Solutions of Accurate Diagnostic Private Limited
Classification: Benign for Breast-ovarian cancer, familial, susceptibility to, 2. Review status: criteria provided, single submitter. Criteria: ACMG Guidelines, 2015. Collection method: clinical testing. Allele origin: germline. Affected: no. Not counted in ClinVar's aggregate classification.

Breast Cancer Information Core (BIC) (BRCA2)
No classification provided. Condition: Breast-ovarian cancer, familial 2. Review status: no classification provided. Collection method: clinical testing. Allele origin: germline. Affected: yes. Observed: 38 variant alleles. Not counted in ClinVar's aggregate classification.

Clinical Genetics Laboratory, Department of Pathology, Netherlands Cancer Institute
Classification: Benign. Review status: no assertion criteria provided. Collection method: clinical testing. Allele origin: germline. Affected: yes. Study: VKGL Data-share Consensus. Not counted in ClinVar's aggregate classification.

Joint Genome Diagnostic Labs from Nijmegen and Maastricht, Radboudumc and MUMC+
Classification: Benign. Review status: no assertion criteria provided. Collection method: clinical testing. Allele origin: germline. Affected: yes. Study: VKGL Data-share Consensus. Not counted in ClinVar's aggregate classification.

Literature cited by the submitters: DOI 10.3389/fgene.2022.834265 (cited by National Health Laboratory Service, Universitas Academic Hospital and University of the Free State).

NM_000059.4(BRCA2):c.7435+53C>T

Gene: BRCA2 (BRCA2 DNA repair associated; plus strand). Cytogenetic location: 13q13.1.
Variant type: single nucleotide variant.
Coding change: c.7435+53C>T on transcript NM_000059.4 (MANE Select); 53 bases into the intron after coding-DNA position 7435, C replaced by T.
Molecular consequence: intron variant.
Genome position (GRCh38, 1-based): chr13:32,355,341, C>T. VCF-style: chr13-32355341-C-T. GRCh37 (hg19) VCF-style: chr13-32929478-C-T.
Other names: IVS14+53C/T; IVS14+53C>T; IVS 14+53C>T.
Identifiers: ClinVar variation 126136 (VCV000126136.32), dbSNP rs11147489, ClinGen allele CA025079.